The following is an entry in ClinVar:

NM_005236.3(ERCC4):c.2371_2398dup (p.Ile800fs)

Gene: ERCC4 (ERCC excision repair 4, endonuclease catalytic subunit; plus strand). Cytogenetic location: 16p13.12.
Variant type: Duplication.
Coding change: c.2371_2398dup on transcript NM_005236.3 (MANE Select); coding-DNA positions 2371 to 2398, 28 bases duplicated (CTTACACTTCACTTCCCCAGACTACGGA).
Protein change: p.Ile800fs; shifts the reading frame from isoleucine 800.
Molecular consequence: frameshift variant.
Genome position (GRCh38, 1-based): chr16:13,947,967-13,947,994, CTTACACTTCACTTCCCCAGACTACGGA duplicated. VCF-style (leftmost placement, unchanged base first): chr16-13947966-T-TCTTACACTTCACTTCCCCAGACTACGGA. GRCh37 (hg19) VCF-style: chr16-14041823-T-TCTTACACTTCACTTCCCCAGACTACGGA.
Other names: c.2371_2398dup28 (NM_005236.2); short protein forms I800fs.
Identifiers: ClinVar variation 55825 (VCV000055825.7), dbSNP rs397509401, ClinGen allele CA143935.

ClinVar aggregate classification (germline): Likely pathogenic. Review status: criteria provided, single submitter (1 of 4 stars). 3 submissions from 3 submitters: Likely pathogenic (1). 2 of the submissions do not count toward it. Last evaluated 2021-02-21.

Conditions:
Fanconi anemia complementation group Q. Identifiers: Orphanet 84, MedGen C3808988, MONDO:0014108, OMIM 615272.
Xeroderma pigmentosum, group F (XPF). Also called: XERODERMA PIGMENTOSUM, COMPLEMENTATION GROUP F; XERODERMA PIGMENTOSUM VI; XP, GROUP F; ERCC4-Related Xeroderma Pigmentosum; XERODERMA PIGMENTOSUM, TYPE F; Xeroderma pigmentosum, type 6. Identifiers: MedGen C0268140, MONDO:0010215, OMIM 278760.

Submissions (3):

Undiagnosed Diseases Network, NIH
Classification: Likely pathogenic for Xeroderma pigmentosum, group F. Last evaluated: 2021-02-21. Review status: criteria provided, single submitter. Criteria: ACMG Guidelines, 2015. Collection method: clinical testing. Allele origin: unknown. Inheritance: Autosomal recessive inheritance. Affected: yes. Observed: 2 variant alleles, 2 compound heterozygotes. Clinical features observed: Renal cyst (HP:0000107), Sensorineural hearing loss disorder (HP:0000407), Ataxia (HP:0001251), Dysarthria (HP:0001260), Pes cavus (HP:0001761), Anemia (HP:0001903), Chorea (HP:0002072), Cerebral cortical atrophy (HP:0002120), Abnormal brainstem morphology (HP:0002363), Hypoplasia of the brainstem (HP:0002365), Hand tremor (HP:0002378), Abnormal cerebral cortex morphology (HP:0002538), and 7 more. Study: Undiagnosed Diseases Network (NIH), UDN.

Leiden Open Variation Database
Classification: Pathogenic for Fanconi anemia complementation group Q. Last evaluated: 2014-10-03. Review status: no assertion criteria provided. Collection method: curation. Allele origin: germline. Affected: yes. Not counted in ClinVar's aggregate classification.
Comment: Curator: Arleen D. Auerbach. Submitter to LOVD: Arleen D. Auerbach.

OMIM
Classification: Pathogenic for FANCONI ANEMIA, COMPLEMENTATION GROUP Q. Last evaluated: 2013-05-02. Review status: no assertion criteria provided. Collection method: literature only. Allele origin: germline. Not counted in ClinVar's aggregate classification.

Literature cited by the submitters: PubMed 23623386 (cited by Leiden Open Variation Database and OMIM).